The following is an entry in ClinVar:

NM_201384.3(PLEC):c.862_867dup (p.Leu289_Leu290insValLeu)

Gene: PLEC (plectin; minus strand). Cytogenetic location: 8q24.3.
Variant type: Duplication.
Coding change: c.862_867dup on transcript NM_201384.3 (MANE Select); coding-DNA positions 862 to 867, 6 bases duplicated (GTGCTG; older notation c.862_867dupGTGCTG).
Protein change: p.Leu289_Leu290insValLeu.
Molecular consequence: inframe insertion.
Genome position (GRCh38, 1-based): chr8:143,934,888-143,934,893, CAGCAC duplicated on the plus strand (GTGCTG on the coding strand, the reverse complement: PLEC is on the minus strand); duplicating any 6 consecutive bases within chr8:143,934,888-143,934,897 gives the same sequence; the c. name uses the placement nearest the transcript's 3' end. VCF-style (leftmost placement, unchanged base first): chr8-143934887-G-GCAGCAC. GRCh37 (hg19) VCF-style: chr8-145009055-G-GCAGCAC.
Other names: c.943_948dup, p.Leu316_Leu317insValLeu (NM_000445.5, NM_001410941.1); c.820_825dup, p.Leu275_Leu276insValLeu (NM_201378.4); c.796_801dup, p.Leu267_Leu268insValLeu (NM_201379.3); c.1273_1278dup, p.Leu426_Leu427insValLeu (NM_201380.4); c.766_771dup, p.Leu257_Leu258insValLeu (NM_201381.3); c.862_867dup, p.Leu289_Leu290insValLeu (NM_201382.4); c.874_879dup, p.Leu293_Leu294insValLeu (NM_201383.3).
Identifiers: ClinVar variation 2658955 (VCV002658955.24), dbSNP rs1462956596, ClinGen allele CA848828902.

ClinVar aggregate classification (germline): Uncertain significance (1 of 4 stars; one submission).

Submission:

CeGaT Center for Human Genetics Tuebingen
Classification: Uncertain significance. Last evaluated: 2023-10-01. Review status: criteria provided, single submitter. Criteria: CeGaT Center For Human Genetics Tuebingen Variant Classification Criteria Version 2. Collection method: clinical testing. Allele origin: germline. Affected: yes. Observed: 1 variant allele.
Comment: PLEC: PM2, PM4, BP5